The following is an entry in ClinVar:

NM_000133.4(F9):c.155T>C (p.Leu52Ser)

Gene: F9 (coagulation factor IX; plus strand). Cytogenetic location: Xq27.1.
Variant type: single nucleotide variant.
Coding change: c.155T>C on transcript NM_000133.4 (MANE Select); coding-DNA position 155, T replaced by C.
Protein change: p.Leu52Ser; replaces leucine 52 with serine.
Molecular consequence: missense variant.
Genome position (GRCh38, 1-based): chrX:139,537,076, T>C. VCF-style: chrX-139537076-T-C. GRCh37 (hg19) VCF-style: chrX-138619235-T-C.
Other names: NM_001313913.2:c.155T>C; c.155T>C, p.Leu52Ser (NM_001313913.2); short protein forms L52S.
Identifiers: ClinVar variation 4087781 (VCV004087781.1).
Genomic context (GRCh38, chrX:139,537,076, plus strand): 5'-TTGATCATGAAAACGCCAACAAAATTCTGAATCGGCCAAAGAGGTATAATTCAGGTAAAT[T>C]GGAAGAGTTTGTTCAAGGGAACCTTGAGAGAGAATGTATGGAAGAAAAGTGTAGTTTTGA-3'
Protein context (NP_000124.1, residues 42-62): NRPKRYNSGK[Leu52Ser]EEFVQGNLER

ClinVar aggregate classification (germline): Likely pathogenic (3 of 4 stars; one submission).

Conditions:
Hereditary factor IX deficiency disease (HEMB). Also called: F9 DEFICIENCY; FACTOR IX DEFICIENCY; PLASMA THROMBOPLASTIN COMPONENT DEFICIENCY; Hemophilia B; Christmas Disease. Identifiers: Orphanet 98879, MedGen C0008533, MeSH D002836, MONDO:0010604, OMIM 306900.

Submission:

ClinGen Coagulation Factor Deficiency Variant Curation Expert Panel, Clingen
Classification: Likely pathogenic for Hereditary factor IX deficiency disease. Last evaluated: 2025-04-04. Review status: reviewed by expert panel. Criteria: ClinGen CoagFactor ACMG Specifications F9 V1.0.0. Collection method: curation. Allele origin: germline. Inheritance: X-linked inheritance.
Comment: The F9 c.155T>C; p.Leu52Ser missense variant is completely absent from gnomADv2.1.1 and v3.1.1 meeting PM2_supporting. This missense variant has a REVEL score of 0.931 (>0.6) meeting PP3. In summary, this variant meets criteria to be classified as likely pathogenic. ACMG/AMP criteria applied, as specified by the Coagulation Factor Deficiency Variant Curation Expert Panel for F9: PS4, PP3, PM2_Supporting.